The following is an entry in ClinVar:

NM_001242896.3(DEPDC5):c.3071A>C (p.His1024Pro)

Gene: DEPDC5 (DEP domain containing 5, GATOR1 subcomplex subunit; plus strand). Cytogenetic location: 22q12.3.
Variant type: single nucleotide variant.
Coding change: c.3071A>C on transcript NM_001242896.3 (MANE Select); coding-DNA position 3071, A replaced by C.
Protein change: p.His1024Pro; replaces histidine 1024 with proline.
Molecular consequence: missense variant. On other transcripts: non-coding transcript variant (5).
Genome position (GRCh38, 1-based): chr22:31,846,883, A>C. VCF-style: chr22-31846883-A-C. GRCh37 (hg19) VCF-style: chr22-32242869-A-C.
Other names: c.3044A>C, p.His1015Pro (NM_001136029.4, NM_001369903.1, NM_014662.6); c.2837A>C, p.His946Pro (NM_001242897.2, NM_001363854.2, NM_001364319.2); c.3071A>C, p.His1024Pro (NM_001363852.2, NM_001364318.2, NM_001364320.2); c.2987A>C, p.His996Pro (NM_001369901.1, NM_001369902.1); short protein forms H946P, H1015P, H996P, H1024P.
Identifiers: ClinVar variation 969281 (VCV000969281.10), dbSNP rs779166833, ClinGen allele CA10196873.

ClinVar aggregate classification (germline): Uncertain significance (1 of 4 stars; one submission).

Conditions:
Familial focal epilepsy with variable foci (FPEVF). Identifiers: Orphanet 98820, MedGen C1858477, MONDO:0020310.

Allele frequency attached by ClinVar (database versions not stated): ExAC 0.00001; gnomAD 0.00001; gnomAD exomes 0.00001; TOPMed 0.00001.
gnomAD v4.1: 2 of 1,614,062 alleles (0.00012%); highest among the groups gnomAD compares: African/African-American, 0.0027%; no homozygotes.

Submission:

Labcorp Genetics (formerly Invitae), Labcorp
Classification: Uncertain significance for Familial focal epilepsy with variable foci. Last evaluated: 2025-08-13. Review status: criteria provided, single submitter. Criteria: Invitae Variant Classification Sherloc (09022015). Collection method: clinical testing. Allele origin: germline.
Comment: This sequence change replaces histidine, which is basic and polar, with proline, which is neutral and non-polar, at codon 1024 of the DEPDC5 protein (p.His1024Pro). This variant is present in population databases (rs779166833, gnomAD 0.01%). This variant has not been reported in the literature in individuals affected with DEPDC5-related conditions. ClinVar contains an entry for this variant (Variation ID: 969281). Experimental studies and prediction algorithms are not available or were not evaluated, and the functional significance of this variant is currently unknown. In summary, the available evidence is currently insufficient to determine the role of this variant in disease. Therefore, it has been classified as a Variant of Uncertain Significance.